The following is an entry in ClinVar:

ClinVar aggregate classification (germline): Likely pathogenic (1 of 4 stars; one submission).

Submission:

Labcorp Genetics (formerly Invitae), Labcorp
Classification: Likely pathogenic. Last evaluated: 2024-12-05. Review status: criteria provided, single submitter. Criteria: Invitae Variant Classification Sherloc (09022015). Collection method: clinical testing. Allele origin: germline.
Comment: This sequence change creates a premature translational stop signal (p.Glu2331*) in the PRPF8 gene. While this is not anticipated to result in nonsense mediated decay, it is expected to disrupt the last 5 amino acid(s) of the PRPF8 protein. This variant is not present in population databases (gnomAD no frequency). This premature translational stop signal has been observed in individual(s) with retinitis pigmentosa (PMID: 23484092, 29087248; internal data). In at least one individual the variant was observed to be de novo. ClinVar contains an entry for this variant (Variation ID: 1485586). Algorithms developed to predict the effect of sequence changes on RNA splicing suggest that this variant may create or strengthen a splice site. In summary, the currently available evidence indicates that the variant is pathogenic, but additional data are needed to prove that conclusively. Therefore, this variant has been classified as Likely Pathogenic.

Literature cited by the submitters: PubMed 23484092; PubMed 29087248.

NM_006445.4(PRPF8):c.6991G>T (p.Glu2331Ter)

Gene: PRPF8 (pre-mRNA processing factor 8; minus strand). Cytogenetic location: 17p13.3.
Variant type: single nucleotide variant.
Coding change: c.6991G>T on transcript NM_006445.4 (MANE Select); coding-DNA position 6991, G replaced by T.
Protein change: p.Glu2331Ter; replaces glutamic acid 2331 with a stop codon.
Molecular consequence: nonsense.
Genome position (GRCh38, 1-based): chr17:1,650,819, C>A on the plus strand (G>T on the coding strand, the complement: PRPF8 is on the minus strand). VCF-style: chr17-1650819-C-A. GRCh37 (hg19) VCF-style: chr17-1554113-C-A.
Other names: short protein forms E2331*.
Identifiers: ClinVar variation 1485586 (VCV001485586.8), dbSNP rs1597223220, ClinGen allele CA397561736.